The following is an entry in ClinVar:

NM_005475.3(SH2B3):c.1129C>G (p.Leu377Val)

Gene: SH2B3 (SH2B adaptor protein 3; plus strand). Cytogenetic location: 12q24.12.
Variant type: single nucleotide variant.
Coding change: c.1129C>G on transcript NM_005475.3 (MANE Select); coding-DNA position 1129, C replaced by G.
Protein change: p.Leu377Val; replaces leucine 377 with valine.
Molecular consequence: missense variant.
Genome position (GRCh38, 1-based): chr12:111,447,437, C>G. VCF-style: chr12-111447437-C-G. GRCh37 (hg19) VCF-style: chr12-111885241-C-G.
Other names: c.523C>G, p.Leu175Val (NM_001291424.1); short protein forms L175V, L377V.
Identifiers: ClinVar variation 3953446 (VCV003953446.1).

ClinVar aggregate classification (germline): Uncertain significance (1 of 4 stars; one submission).

Conditions:
Inborn genetic diseases. Identifiers: MedGen C0950123, MeSH D030342.

gnomAD v4.1: 2 of 1,613,936 alleles (0.00012%); highest among the groups gnomAD compares: Non-Finnish European, 0.00017%; no homozygotes.

Submission:

Ambry Genetics
Classification: Uncertain significance for Inborn genetic diseases. Last evaluated: 2025-04-13. Review status: criteria provided, single submitter. Criteria: Ambry Variant Classification Scheme 2023. Collection method: clinical testing. Allele origin: germline.
Comment: The p.L377V variant (also known as c.1129C>G), located in coding exon 5 of the SH2B3 gene, results from a C to G substitution at nucleotide position 1129. The leucine at codon 377 is replaced by valine, an amino acid with highly similar properties. This amino acid position is conserved. In addition, the in silico prediction for this alteration is inconclusive. Based on the available evidence, the clinical significance of this variant remains unclear.